The following is an entry in ClinVar:

ClinVar aggregate classification (germline): Uncertain significance (1 of 4 stars; one submission).

Submission:

GeneDx
Classification: Uncertain significance. Last evaluated: 2023-07-17. Review status: criteria provided, single submitter. Criteria: GeneDx Variant Classification Process June 2021. Collection method: clinical testing. Allele origin: germline. Affected: yes.
Comment: Not observed at significant frequency in large population cohorts (gnomAD); In silico analysis supports that this missense variant has a deleterious effect on protein structure/function; Has not been previously published as pathogenic or benign to our knowledge

NM_207037.2(TCF12):c.1297G>T (p.Asp433Tyr)

Gene: TCF12 (transcription factor 12; plus strand). Cytogenetic location: 15q21.3.
Variant type: single nucleotide variant.
Coding change: c.1297G>T on transcript NM_207037.2 (MANE Select); coding-DNA position 1297, G replaced by T.
Protein change: p.Asp433Tyr; replaces aspartic acid 433 with tyrosine.
Molecular consequence: missense variant.
Genome position (GRCh38, 1-based): chr15:57,253,298, G>T. VCF-style: chr15-57253298-G-T. GRCh37 (hg19) VCF-style: chr15-57545496-G-T.
Other names: c.787G>T, p.Asp263Tyr (NM_001306219.3); c.517G>T, p.Asp173Tyr (NM_001306220.3); c.1297G>T, p.Asp433Tyr (NM_001322151.2, NM_001322152.2, NM_001322159.3 and 2 more transcripts); c.640G>T, p.Asp214Tyr (NM_001322154.2); c.1123G>T, p.Asp375Tyr (NM_001322156.2); c.1225G>T, p.Asp409Tyr (NM_001322157.3, NM_001322165.2, NM_003205.4 and 1 more transcripts); c.1051G>T, p.Asp351Tyr (NM_001322158.2); c.1294G>T, p.Asp432Tyr (NM_001322161.2); and 2 more; short protein forms D173Y, D214Y, D239Y, D263Y, D351Y, D375Y, D409Y, D421Y.
Identifiers: ClinVar variation 3360983 (VCV003360983.1).